The following is an entry in ClinVar:

NM_000660.7(TGFB1):c.613C>G (p.Arg205Gly)

Gene: TGFB1 (transforming growth factor beta 1; minus strand). Cytogenetic location: 19q13.2.
Variant type: single nucleotide variant.
Coding change: c.613C>G on transcript NM_000660.7 (MANE Select); coding-DNA position 613, C replaced by G.
Protein change: p.Arg205Gly; replaces arginine 205 with glycine.
Molecular consequence: missense variant.
Genome position (GRCh38, 1-based): chr19:41,344,768, G>C on the plus strand (C>G on the coding strand, the complement: TGFB1 is on the minus strand). VCF-style: chr19-41344768-G-C. GRCh37 (hg19) VCF-style: chr19-41850673-G-C.
Other names: short protein forms R205G.
Identifiers: ClinVar variation 2698632 (VCV002698632.3), dbSNP rs199882566, ClinGen allele CA406003064.

ClinVar aggregate classification (germline): Uncertain significance (1 of 4 stars; one submission).

gnomAD v4.1: 2 of 1,613,736 alleles (0.00012%); highest among the groups gnomAD compares: African/African-American, 0.0027%; no homozygotes.

Submission:

Labcorp Genetics (formerly Invitae), Labcorp
Classification: Uncertain significance. Last evaluated: 2023-11-24. Review status: criteria provided, single submitter. Criteria: Invitae Variant Classification Sherloc (09022015). Collection method: clinical testing. Allele origin: germline.
Comment: This sequence change replaces arginine, which is basic and polar, with glycine, which is neutral and non-polar, at codon 205 of the TGFB1 protein (p.Arg205Gly). This variant is not present in population databases (gnomAD no frequency). This variant has not been reported in the literature in individuals affected with TGFB1-related conditions. Advanced modeling of protein sequence and biophysical properties (such as structural, functional, and spatial information, amino acid conservation, physicochemical variation, residue mobility, and thermodynamic stability) performed at Invitae indicates that this missense variant is not expected to disrupt TGFB1 protein function with a negative predictive value of 80%. In summary, the available evidence is currently insufficient to determine the role of this variant in disease. Therefore, it has been classified as a Variant of Uncertain Significance.